The following is an entry in ClinVar:

ClinVar aggregate classification (germline): Conflicting classifications of pathogenicity. Review status: criteria provided, conflicting classifications (1 of 4 stars). 6 submissions from 6 submitters: Uncertain significance (4); Likely benign (1). 1 of the submissions does not count toward it. Last evaluated 2025-04-23.

Conditions:
Hereditary breast ovarian cancer syndrome. Also called: Hereditary breast and ovarian cancer syndrome; Hereditary breast and ovarian cancer; Hereditary breast and ovarian cancer syndrome (HBOC); Breast and ovarian cancer; Hereditary breast and/or ovarian cancer syndrome; BRCA1- and BRCA2-Associated Hereditary Breast and Ovarian Cancer. Identifiers: Orphanet 145, MedGen C0677776, MeSH D061325, MONDO:0003582. Disease mechanism: loss of function.
Hereditary cancer-predisposing syndrome. Also called: Neoplastic Syndromes, Hereditary; Tumor predisposition; Hereditary neoplastic syndrome; Hereditary Cancer Syndrome. Identifiers: Orphanet 140162, MedGen C0027672, MeSH D009386, MONDO:0015356.
Breast-ovarian cancer, familial, susceptibility to, 2 (BROVCA2). Also called: BRCA2 Hereditary Breast and Ovarian Cancer. Identifiers: Orphanet 145, MedGen C2675520, MONDO:0012933, OMIM 612555. Disease mechanism: loss of function.
Familial cancer of breast. Also called: BREAST CANCER, FAMILIAL; Hereditary breast cancer; hereditary breast carcinoma. Identifiers: Orphanet 227535, MedGen C0346153, MONDO:0016419, OMIM 114480. Disease mechanism: loss of function.

Allele frequency attached by ClinVar (database versions not stated): gnomAD exomes below 0.00001.
gnomAD v4.1: 4 of 1,613,426 alleles (0.00025%); highest among the groups gnomAD compares: Non-Finnish European, 0.00034%; no homozygotes.

Submissions (6):

Ambry Genetics
Classification: Likely benign for Hereditary cancer-predisposing syndrome. Last evaluated: 2025-04-23. Review status: criteria provided, single submitter. Criteria: Ambry Variant Classification Scheme 2023. Collection method: clinical testing. Allele origin: germline.

Department of Pathology and Laboratory Medicine, Sinai Health System
Classification: Uncertain significance for Familial cancer of breast; Breast-ovarian cancer, familial, susceptibility to, 2. Last evaluated: 2023-11-20. Review status: criteria provided, single submitter. Criteria: ACMG Guidelines, 2015. Collection method: clinical testing. Allele origin: germline. Affected: yes.

Labcorp Genetics (formerly Invitae), Labcorp
Classification: Uncertain significance for Hereditary breast ovarian cancer syndrome. Last evaluated: 2021-08-31. Review status: criteria provided, single submitter. Criteria: Invitae Variant Classification Sherloc (09022015). Collection method: clinical testing. Allele origin: germline.
Comment: This sequence change replaces lysine with glutamic acid at codon 2547 of the BRCA2 protein (p.Lys2547Glu). The lysine residue is moderately conserved and there is a small physicochemical difference between lysine and glutamic acid. This variant is not present in population databases (ExAC no frequency). This variant has not been reported in the literature in individuals affected with BRCA2-related conditions. ClinVar contains an entry for this variant (Variation ID: 52376). An algorithm developed specifically for the BRCA2 gene suggests that this missense change is likely to be tolerated (PMID: 19043619). In summary, the available evidence is currently insufficient to determine the role of this variant in disease. Therefore, it has been classified as a Variant of Uncertain Significance.

Color Diagnostics, LLC DBA Color Health
Classification: Uncertain significance for Hereditary cancer-predisposing syndrome. Last evaluated: 2019-05-30. Review status: criteria provided, single submitter. Criteria: ACMG Guidelines, 2015. Collection method: clinical testing. Allele origin: germline.

Quest Diagnostics Nichols Institute San Juan Capistrano
Classification: Uncertain significance. Last evaluated: 2019-03-22. Review status: criteria provided, single submitter. Criteria: Quest Diagnostics criteria. Collection method: clinical testing. Allele origin: germline.

Breast Cancer Information Core (BIC) (BRCA2)
Classification: Uncertain significance for Breast-ovarian cancer, familial 2. Last evaluated: 2004-02-20. Review status: no assertion criteria provided. Collection method: clinical testing. Allele origin: germline. Affected: yes. Observed: 2 variant alleles. Not counted in ClinVar's aggregate classification.

Literature cited by the submitters: PubMed 33471991 (cited by Department of Pathology and Laboratory Medicine, Sinai Health System); PubMed 19043619 (cited by Labcorp Genetics (formerly Invitae), Labcorp and Quest Diagnostics Nichols Institute San Juan Capistrano).

NM_000059.4(BRCA2):c.7639A>G (p.Lys2547Glu)

Gene: BRCA2 (BRCA2 DNA repair associated; plus strand). Cytogenetic location: 13q13.1.
Variant type: single nucleotide variant.
Coding change: c.7639A>G on transcript NM_000059.4 (MANE Select); coding-DNA position 7639, A replaced by G.
Protein change: p.Lys2547Glu; replaces lysine 2547 with glutamic acid.
Molecular consequence: missense variant.
Genome position (GRCh38, 1-based): chr13:32,357,763, A>G. VCF-style: chr13-32357763-A-G. GRCh37 (hg19) VCF-style: chr13-32931900-A-G.
Other names: short protein forms K2547E.
Identifiers: ClinVar variation 52376 (VCV000052376.18), dbSNP rs80358991, ClinGen allele CA025207.